The following is an entry in ClinVar:

ClinVar aggregate classification (germline): Uncertain significance (1 of 4 stars; one submission).

Submission:

Labcorp Genetics (formerly Invitae), Labcorp
Classification: Uncertain significance. Last evaluated: 2022-10-14. Review status: criteria provided, single submitter. Criteria: Invitae Variant Classification Sherloc (09022015). Collection method: clinical testing. Allele origin: germline.
Comment: In summary, the available evidence is currently insufficient to determine the role of this variant in disease. Therefore, it has been classified as a Variant of Uncertain Significance. Algorithms developed to predict the effect of missense changes on protein structure and function (SIFT, PolyPhen-2, Align-GVGD) all suggest that this variant is likely to be tolerated. This variant has not been reported in the literature in individuals affected with EIF2B4-related conditions. This variant is not present in population databases (gnomAD no frequency). This sequence change replaces glycine, which is neutral and non-polar, with alanine, which is neutral and non-polar, at codon 25 of the EIF2B4 protein (p.Gly25Ala).

NM_001034116.2(EIF2B4):c.74G>C (p.Gly25Ala)

Gene: EIF2B4 (eukaryotic translation initiation factor 2B subunit delta; minus strand). Cytogenetic location: 2p23.3.
Variant type: single nucleotide variant.
Coding change: c.74G>C on transcript NM_001034116.2 (MANE Select); coding-DNA position 74, G replaced by C.
Protein change: p.Gly25Ala; replaces glycine 25 with alanine.
Molecular consequence: missense variant. On other transcripts: 5 prime UTR variant (3).
Genome position (GRCh38, 1-based): chr2:27,369,877, C>G on the plus strand (G>C on the coding strand, the complement: EIF2B4 is on the minus strand). VCF-style: chr2-27369877-C-G. GRCh37 (hg19) VCF-style: chr2-27592744-C-G.
Other names: c.137G>C, p.Gly46Ala (NM_001318965.2, NM_172195.4); c.29G>C, p.Gly10Ala (NM_001318966.2); c.-13G>C (NM_001318967.2); c.-442G>C (NM_001318968.2); c.-519G>C (NM_001318969.2); c.74G>C, p.Gly25Ala (NM_015636.4); short protein forms G25A, G46A, G10A.
Identifiers: ClinVar variation 2001768 (VCV002001768.4), dbSNP rs137963149, ClinGen allele CA346203675.